The following is an entry in ClinVar:

NM_001267550.2(TTN):c.83609dup (p.Thr27871fs)

Genes: TTN (titin; minus strand), TTN-AS1 (TTN antisense RNA 1; plus strand). Cytogenetic location: 2q31.2.
Variant type: Duplication.
Coding change: c.83609dup on transcript NM_001267550.2 (MANE Select); coding-DNA position 83609, one base duplicated (T; older notation c.83609dupT).
Protein change: p.Thr27871fs; shifts the reading frame from threonine 27871.
Molecular consequence: frameshift variant.
Genome position (GRCh38, 1-based): chr2:178,562,523, A duplicated on the plus strand (T on the coding strand, the reverse complement: TTN is on the minus strand). VCF-style (leftmost placement, unchanged base first): chr2-178562522-T-TA. GRCh37 (hg19) VCF-style: chr2-179427249-T-TA.
Other names: c.78686dup, p.Thr26230fs (NM_001256850.1); c.56414dup, p.Thr18806fs (NM_003319.4); c.75905dup, p.Thr25303fs (NM_133378.4); c.56789dup, p.Thr18931fs (NM_133432.3); c.56990dup, p.Thr18998fs (NM_133437.4); short protein forms T18931fs, T18998fs, T25303fs, T18806fs, T26230fs, T27871fs.
Identifiers: ClinVar variation 1998666 (VCV001998666.4), dbSNP rs2469731148, ClinGen allele CA2580064592.

ClinVar aggregate classification (germline): Likely pathogenic (1 of 4 stars; one submission).

Conditions:
Dilated cardiomyopathy 1G (CMD1G). Identifiers: Orphanet 154, MedGen C1858763, MONDO:0011400, OMIM 604145.
Autosomal recessive limb-girdle muscular dystrophy type 2J (LGMDR10). Also called: Limb-girdle muscular dystrophy, type 2J; MUSCULAR DYSTROPHY, LIMB-GIRDLE, AUTOSOMAL RECESSIVE 10. Identifiers: Orphanet 140922, MedGen C1837342, MONDO:0012127, OMIM 608807.

Submission:

Labcorp Genetics (formerly Invitae), Labcorp
Classification: Likely pathogenic for Dilated cardiomyopathy 1G; Autosomal recessive limb-girdle muscular dystrophy type 2J. Last evaluated: 2022-05-25. Review status: criteria provided, single submitter. Criteria: Invitae Variant Classification Sherloc (09022015). Collection method: clinical testing. Allele origin: germline.
Comment: In summary, the currently available evidence indicates that the variant is pathogenic, but additional data are needed to prove that conclusively. Therefore, this variant has been classified as Likely Pathogenic. This variant is located in the A band of TTN (PMID: 25589632). Truncating variants in this region are significantly overrepresented in patients affected with dilated cardiomyopathy (PMID: 25589632). Truncating variants in this region have also been reported in individuals affected with autosomal recessive centronuclear myopathy (PMID: 23975875). This variant has not been reported in the literature in individuals affected with TTN-related conditions. This variant is not present in population databases (gnomAD no frequency). This sequence change creates a premature translational stop signal (p.Thr27871Asnfs*4) in the TTN gene. While this is not anticipated to result in nonsense mediated decay, it is expected to create a truncated TTN protein.

Literature cited by the submitters: PubMed 25589632; PubMed 23975875.